The following is an entry in ClinVar:

NM_001377540.1(SLMAP):c.1771A>G (p.Arg591Gly)

Gene: SLMAP (sarcolemma associated protein; plus strand). Cytogenetic location: 3p14.3.
Variant type: single nucleotide variant.
Coding change: c.1771A>G on transcript NM_001377540.1 (MANE Select); coding-DNA position 1771, A replaced by G.
Protein change: p.Arg591Gly; replaces arginine 591 with glycine.
Molecular consequence: missense variant. On other transcripts: non-coding transcript variant (1).
Genome position (GRCh38, 1-based): chr3:57,912,452, A>G. VCF-style: chr3-57912452-A-G. GRCh37 (hg19) VCF-style: chr3-57898179-A-G.
Other names: c.1720A>G, p.Arg574Gly (NM_001304420.3, NM_001377541.1, NM_001377542.1); c.1606A>G, p.Arg536Gly (NM_001304421.2, NM_001377557.1, NM_001377559.1); c.322A>G, p.Arg108Gly (NM_001304422.3, NM_001311178.2); c.124A>G, p.Arg42Gly (NM_001304423.3); c.199A>G, p.Arg67Gly (NM_001311179.2, NM_001377926.1, NM_001377927.1 and 1 more transcripts); c.1792A>G, p.Arg598Gly (NM_001377538.1); c.1771A>G, p.Arg591Gly (NM_001377539.1); c.1708A>G, p.Arg570Gly (NM_001377545.1); and 8 more; short protein forms R512G, R557G, R42G, R529G, R550G, R570G, R574G, R108G.
Identifiers: ClinVar variation 2562988 (VCV002562988.2), dbSNP rs760217719, ClinGen allele CA2467237.

ClinVar aggregate classification (germline): Uncertain significance (1 of 4 stars; one submission).

Allele frequency attached by ClinVar (database versions not stated): gnomAD 0.00001; gnomAD exomes 0.00002; ExAC 0.00006.
gnomAD v4.1: 40 of 1,613,964 alleles (0.0025%); highest among the groups gnomAD compares: Non-Finnish European, 0.0012%; no homozygotes.

Submission:

Ambry Genetics
Classification: Uncertain significance. Last evaluated: 2023-05-07. Review status: criteria provided, single submitter. Criteria: Ambry Variant Classification Scheme 2023. Collection method: clinical testing. Allele origin: germline.
Comment: The p.R557G variant (also known as c.1669A>G), located in coding exon 17 of the SLMAP gene, results from an A to G substitution at nucleotide position 1669. The arginine at codon 557 is replaced by glycine, an amino acid with dissimilar properties. This amino acid position is conserved. In addition, this alteration is predicted to be tolerated by in silico analysis. Since supporting evidence is limited at this time, the clinical significance of this alteration remains unclear.